The following is an entry in ClinVar:

ClinVar aggregate classification (germline): Uncertain significance (1 of 4 stars; one submission).

Conditions:
Facioscapulohumeral muscular dystrophy 2 (FSHD2). Also called: MUSCULAR DYSTROPHY, FACIOSCAPULOHUMERAL, TYPE 1B; FACIOSCAPULOHUMERAL MUSCULAR DYSTROPHY 2, DIGENIC; FSHD2, DIGENIC. Identifiers: Orphanet 269, MedGen C1834671, MONDO:0008031, OMIM 158901.

Submission:

Labcorp Genetics (formerly Invitae), Labcorp
Classification: Uncertain significance for Facioscapulohumeral muscular dystrophy 2. Last evaluated: 2024-03-20. Review status: criteria provided, single submitter. Criteria: Invitae Variant Classification Sherloc (09022015). Collection method: clinical testing. Allele origin: germline.
Comment: This sequence change replaces aspartic acid, which is acidic and polar, with alanine, which is neutral and non-polar, at codon 605 of the SMCHD1 protein (p.Asp605Ala). This variant is not present in population databases (gnomAD no frequency). This variant has not been reported in the literature in individuals affected with SMCHD1-related conditions. Advanced modeling of protein sequence and biophysical properties (such as structural, functional, and spatial information, amino acid conservation, physicochemical variation, residue mobility, and thermodynamic stability) performed at Invitae indicates that this missense variant is expected to disrupt SMCHD1 protein function with a positive predictive value of 80%. In summary, the available evidence is currently insufficient to determine the role of this variant in disease. Therefore, it has been classified as a Variant of Uncertain Significance.

NM_015295.3(SMCHD1):c.1814A>C (p.Asp605Ala)

Gene: SMCHD1 (structural maintenance of chromosomes flexible hinge domain containing 1; plus strand). Cytogenetic location: 18p11.32.
Variant type: single nucleotide variant.
Coding change: c.1814A>C on transcript NM_015295.3 (MANE Select); coding-DNA position 1814, A replaced by C.
Protein change: p.Asp605Ala; replaces aspartic acid 605 with alanine.
Molecular consequence: missense variant.
Genome position (GRCh38, 1-based): chr18:2,703,858, A>C. VCF-style: chr18-2703858-A-C. GRCh37 (hg19) VCF-style: chr18-2703856-A-C.
Other names: short protein forms D605A.
Identifiers: ClinVar variation 3675060 (VCV003675060.2).